The following is an entry in ClinVar:

NM_182961.4(SYNE1):c.12704A>T (p.Asp4235Val)

Gene: SYNE1 (spectrin repeat containing nuclear envelope protein 1; minus strand). Cytogenetic location: 6q25.2.
Variant type: single nucleotide variant.
Coding change: c.12704A>T on transcript NM_182961.4 (MANE Select); coding-DNA position 12704, A replaced by T.
Protein change: p.Asp4235Val; replaces aspartic acid 4235 with valine.
Molecular consequence: missense variant.
Genome position (GRCh38, 1-based): chr6:152,334,098, T>A on the plus strand (A>T on the coding strand, the complement: SYNE1 is on the minus strand). VCF-style: chr6-152334098-T-A. GRCh37 (hg19) VCF-style: chr6-152655233-T-A.
Other names: c.12491A>T, p.Asp4164Val (NM_033071.5); c.12491A>T (NM_033071.3); short protein forms D4164V, D4235V.
Identifiers: ClinVar variation 805546 (VCV000805546.3), dbSNP rs964082904, ClinGen allele CA366105964.

ClinVar aggregate classification (germline): Uncertain significance. Review status: criteria provided, multiple submitters, no conflicts (2 of 4 stars). 2 submissions from 2 submitters: Uncertain significance (2). Last evaluated 2024-06-07.

gnomAD v4.1: 1 of 1,614,210 alleles (0.000062%); highest among the groups gnomAD compares: Non-Finnish European, 0.000085%; no homozygotes.

Submissions (2):

GeneDx
Classification: Uncertain significance. Last evaluated: 2024-06-07. Review status: criteria provided, single submitter. Criteria: GeneDx Variant Classification Process June 2021. Collection method: clinical testing. Allele origin: germline. Affected: yes.
Comment: Not observed at significant frequency in large population cohorts (gnomAD); In silico analysis supports that this missense variant has a deleterious effect on protein structure/function; Has not been previously published as pathogenic or benign to our knowledge

Athena Diagnostics
Classification: Uncertain significance. Last evaluated: 2021-05-11. Review status: criteria provided, single submitter. Criteria: Athena Diagnostics criteria. Collection method: clinical testing. Allele origin: unknown.